The following is an entry in ClinVar:

NM_001287491.2(TET3):c.2716T>G (p.Cys906Gly)

Gene: TET3 (tet methylcytosine dioxygenase 3; plus strand). Cytogenetic location: 2p13.1.
Variant type: single nucleotide variant.
Coding change: c.2716T>G on transcript NM_001287491.2 (MANE Select); coding-DNA position 2716, T replaced by G.
Protein change: p.Cys906Gly; replaces cysteine 906 with glycine.
Molecular consequence: missense variant.
Genome position (GRCh38, 1-based): chr2:74,087,866, T>G. VCF-style: chr2-74087866-T-G. GRCh37 (hg19) VCF-style: chr2-74314993-T-G.
Other names: c.2437T>G, p.Cys813Gly (NM_001366022.1); short protein forms C813G, C906G.
Identifiers: ClinVar variation 3373362 (VCV003373362.1).
Genomic context (GRCh38, chr2:74,087,866, plus strand): 5'-CCCTCACACCCTGCGTCCCTGCAGGTGATCCGCAGGCACACGCTGGAGGAGAAGCTACTC[T>G]GCCTGGTGCGGCACCGGGCAGGCCACCACTGCCAGAACGCTGTGATCGTCATCCTCATCC-3'
Protein context (NP_001274420.1, residues 896-916): RRHTLEEKLL[Cys906Gly]LVRHRAGHHC

ClinVar aggregate classification (germline): Uncertain significance (1 of 4 stars; one submission).

Submission:

GeneDx
Classification: Uncertain significance. Last evaluated: 2024-03-03. Review status: criteria provided, single submitter. Criteria: GeneDx Variant Classification Process June 2021. Collection method: clinical testing. Allele origin: germline. Affected: yes.
Comment: Not observed at significant frequency in large population cohorts (gnomAD); In silico analysis supports that this missense variant has a deleterious effect on protein structure/function; Has not been previously published as pathogenic or benign to our knowledge